The following is an entry in ClinVar:

ClinVar aggregate classification (germline): Likely benign (1 of 4 stars; one submission).

gnomAD v4.1: 828 of 1,610,904 alleles (0.051%); highest among the groups gnomAD compares: Middle Eastern, 0.33%; 2 homozygotes.

Submission:

CeGaT Center for Human Genetics Tuebingen
Classification: Likely benign. Last evaluated: 2026-09-01. Review status: criteria provided, single submitter. Criteria: CeGaT Center For Human Genetics Tuebingen Variant Classification Criteria Version 2. Collection method: clinical testing. Allele origin: germline. Affected: yes. Observed: 1 variant allele.
Comment: USP25: BP4, BP7

NM_001283041.3(USP25):c.333C>T (p.Ala111=)

Gene: USP25 (ubiquitin specific peptidase 25; plus strand). Cytogenetic location: 21q21.1.
Variant type: single nucleotide variant.
Coding change: c.333C>T on transcript NM_001283041.3 (MANE Select); coding-DNA position 333, C replaced by T.
Protein change: p.Ala111=; no amino-acid change (alanine 111 retained).
Molecular consequence: synonymous variant. On other transcripts: 5 prime UTR variant (5), intron variant (1).
Genome position (GRCh38, 1-based): chr21:15,777,968, C>T. VCF-style: chr21-15777968-C-T. GRCh37 (hg19) VCF-style: chr21-17150287-C-T.
Other names: c.333C>T, p.Ala111= (NM_001283042.3, NM_013396.6); c.-331C>T (NM_001352560.2, NM_001388299.1); c.-752C>T (NM_001388300.1); c.-1004C>T (NM_001388301.1, NM_001388302.1); c.-945+11827C>T (NM_001352561.2).
Identifiers: ClinVar variation 5040807 (VCV005040807.1).